The following is an entry in ClinVar:

ClinVar aggregate classification (germline): Pathogenic (1 of 4 stars; one submission).

Submission:

Labcorp Genetics (formerly Invitae), Labcorp
Classification: Pathogenic. Last evaluated: 2022-08-08. Review status: criteria provided, single submitter. Criteria: Invitae Variant Classification Sherloc (09022015). Collection method: clinical testing. Allele origin: germline.
Comment: This sequence change creates a premature translational stop signal (p.Glu4601Aspfs*18) in the ADGRV1 gene. It is expected to result in an absent or disrupted protein product. Loss-of-function variants in ADGRV1 are known to be pathogenic (PMID: 19357117, 22135276, 22147658, 26226137, 30718709, 31047384, 32467589). For these reasons, this variant has been classified as Pathogenic. This variant has not been reported in the literature in individuals affected with ADGRV1-related conditions. This variant is not present in population databases (gnomAD no frequency).

Literature cited by the submitters: PubMed 19357117; PubMed 22135276; PubMed 22147658; PubMed 26226137; PubMed 30718709; PubMed 31047384; PubMed 32467589.

NM_032119.4(ADGRV1):c.13795_13802dup (p.Glu4601fs)

Gene: ADGRV1 (adhesion G protein-coupled receptor V1; plus strand). Cytogenetic location: 5q14.3.
Variant type: Duplication.
Coding change: c.13795_13802dup on transcript NM_032119.4 (MANE Select); coding-DNA positions 13795 to 13802, 8 bases duplicated (CATGAAGA; older notation c.13795_13802dupCATGAAGA).
Protein change: p.Glu4601fs; shifts the reading frame from glutamic acid 4601.
Molecular consequence: frameshift variant. On other transcripts: non-coding transcript variant (1).
Genome position (GRCh38, 1-based): chr5:90,788,212-90,788,219, CATGAAGA duplicated. VCF-style (leftmost placement, unchanged base first): chr5-90788211-T-TCATGAAGA. GRCh37 (hg19) VCF-style: chr5-90084028-T-TCATGAAGA.
Other names: short protein forms E4601fs.
Identifiers: ClinVar variation 2022825 (VCV002022825.4), dbSNP rs2531982021, ClinGen allele CA2580073779.